The following is an entry in ClinVar:

ClinVar aggregate classification (germline): Uncertain significance (1 of 4 stars; one submission).

Conditions:
Familial adenomatous polyposis 2. Also called: FAP type 2; COLORECTAL ADENOMATOUS POLYPOSIS, AUTOSOMAL RECESSIVE; MYH-associated polyposis; MUTYH-associated polyposis; Adenomas, multiple colorectal; ADENOMAS, MULTIPLE COLORECTAL, AUTOSOMAL RECESSIVE. Identifiers: Orphanet 220460, Orphanet 247798, MedGen C3272841, MONDO:0012041, OMIM 608456.

Submission:

Labcorp Genetics (formerly Invitae), Labcorp
Classification: Uncertain significance for Familial adenomatous polyposis 2. Last evaluated: 2023-07-31. Review status: criteria provided, single submitter. Criteria: Invitae Variant Classification Sherloc (09022015). Collection method: clinical testing. Allele origin: germline.
Comment: This sequence change replaces tryptophan, which is neutral and slightly polar, with arginine, which is basic and polar, at codon 12 of the MUTYH protein (p.Trp12Arg). This variant is not present in population databases (gnomAD no frequency). In summary, the available evidence is currently insufficient to determine the role of this variant in disease. Therefore, it has been classified as a Variant of Uncertain Significance. Algorithms developed to predict the effect of sequence changes on RNA splicing suggest that this variant may disrupt the consensus splice site. Algorithms developed to predict the effect of missense changes on protein structure and function output the following: SIFT: "Not Available"; PolyPhen-2: "Benign"; Align-GVGD: "Not Available". The arginine amino acid residue is found in multiple mammalian species, which suggests that this missense change does not adversely affect protein function. ClinVar contains an entry for this variant (Variation ID: 406861). This variant has not been reported in the literature in individuals affected with MUTYH-related conditions.

NM_001128425.2(MUTYH):c.34T>C (p.Trp12Arg)

Genes: TOE1 (target of EGR1, exonuclease; plus strand), MUTYH (mutY DNA glycosylase; minus strand). Cytogenetic location: 1p34.1.
Variant type: single nucleotide variant.
Coding change: c.34T>C on transcript NM_001128425.2 (MANE Plus Clinical); coding-DNA position 34, T replaced by C.
Protein change: p.Trp12Arg; replaces tryptophan 12 with arginine.
Molecular consequence: missense variant. On other transcripts: 5 prime UTR variant (7), non-coding transcript variant (2), splice donor variant (1).
Genome position (GRCh38, 1-based): chr1:45,340,221, A>G on the plus strand (T>C on the coding strand, the complement: MUTYH is on the minus strand). VCF-style: chr1-45340221-A-G. GRCh37 (hg19) VCF-style: chr1-45805893-A-G.
Other names: c.-32A>G (NM_025077.4); c.-9T>C (NM_001048171.2); c.34T>C, p.Trp12Arg (NM_001293190.2, NM_001407069.1, NM_001407073.1 and 1 more transcripts); c.-221T>C (NM_001293192.2); c.-280T>C (NM_001350650.2); c.-216T>C (NM_001350651.2); c.-25T>C (NM_001407070.1, NM_001407071.1); c.-7+2T>C (NM_001407072.1); short protein forms W12R.
Identifiers: ClinVar variation 406861 (VCV000406861.11), dbSNP rs1060501343, ClinGen allele CA16610127.